The following is an entry in ClinVar:

NM_000051.4(ATM):c.8552C>A (p.Ala2851Asp)

Genes: ATM (ATM serine/threonine kinase; plus strand), C11orf65 (chromosome 11 open reading frame 65; minus strand). Cytogenetic location: 11q22.3.
Variant type: single nucleotide variant.
Coding change: c.8552C>A on transcript NM_000051.4 (MANE Select); coding-DNA position 8552, C replaced by A.
Protein change: p.Ala2851Asp; replaces alanine 2851 with aspartic acid.
Molecular consequence: missense variant. On other transcripts: intron variant (2).
Genome position (GRCh38, 1-based): chr11:108,345,876, C>A. VCF-style: chr11-108345876-C-A. GRCh37 (hg19) VCF-style: chr11-108216603-C-A.
Other names: c.8552C>A, p.Ala2851Asp (NM_001351834.2); c.641-36805G>T (NM_001330368.2); c.695-10584G>T (NM_001351110.2); short protein forms A2851D.
Identifiers: ClinVar variation 1763830 (VCV001763830.2), dbSNP rs876659701, ClinGen allele CA382518474.
Genomic context (GRCh38, chr11:108,345,876, plus strand): 5'-TCCGTTACTTCTGCATGGAAAAATTCTTGGATCCAGCTATTTGGTTTGAGAAGCGATTGG[C>A]TTATACGCGCAGTGTAGCTACTTCTTCTATTGGTAATCTTCTTGTACATATAGTAGATTG-3'
Protein context (NP_000042.3, residues 2841-2861): DPAIWFEKRL[Ala2851Asp]YTRSVATSSI

ClinVar aggregate classification (germline): Uncertain significance (1 of 4 stars; one submission).

Conditions:
Hereditary cancer-predisposing syndrome. Also called: Hereditary neoplastic syndrome; Neoplastic Syndromes, Hereditary; Tumor predisposition; Hereditary Cancer Syndrome. Identifiers: Orphanet 140162, MedGen C0027672, MeSH D009386, MONDO:0015356.

Submission:

Ambry Genetics
Classification: Uncertain significance for Hereditary cancer-predisposing syndrome. Last evaluated: 2023-12-30. Review status: criteria provided, single submitter. Criteria: Ambry Variant Classification Scheme 2023. Collection method: clinical testing. Allele origin: germline.
Comment: The p.A2851D variant (also known as c.8552C>A), located in coding exon 57 of the ATM gene, results from a C to A substitution at nucleotide position 8552. The alanine at codon 2851 is replaced by aspartic acid, an amino acid with dissimilar properties. This amino acid position is conserved. In addition, this alteration is predicted to be deleterious by in silico analysis. Since supporting evidence is limited at this time, the clinical significance of this alteration remains unclear.